The following is an entry in ClinVar:

NM_032578.4(MYPN):c.329A>C (p.Asn110Thr)

Gene: MYPN (myopalladin; plus strand). Cytogenetic location: 10q21.3.
Variant type: single nucleotide variant.
Coding change: c.329A>C on transcript NM_032578.4 (MANE Select); coding-DNA position 329, A replaced by C.
Protein change: p.Asn110Thr; replaces asparagine 110 with threonine.
Molecular consequence: missense variant. On other transcripts: 5 prime UTR variant (1), non-coding transcript variant (1).
Genome position (GRCh38, 1-based): chr10:68,121,767, A>C. VCF-style: chr10-68121767-A-C. GRCh37 (hg19) VCF-style: chr10-69881524-A-C.
Other names: c.329A>C, p.Asn110Thr (NM_001256267.2); c.-794A>C (NM_001256268.2); short protein forms N110T.
Identifiers: ClinVar variation 412010 (VCV000412010.6), dbSNP rs1060503575, ClinGen allele CA16613137.

ClinVar aggregate classification (germline): Uncertain significance (1 of 4 stars; one submission).

Conditions:
Dilated cardiomyopathy 1KK (CMD1KK). Identifiers: Orphanet 154, Orphanet 75249, MedGen C3714995, MONDO:0014100, OMIM 615248.

Allele frequency attached by ClinVar (database versions not stated): gnomAD exomes below 0.00001.
gnomAD v4.1: 1 of 1,614,250 alleles (0.000062%); highest among the groups gnomAD compares: Non-Finnish European, 0.000085%; no homozygotes.

Submission:

Labcorp Genetics (formerly Invitae), Labcorp
Classification: Uncertain significance for Dilated cardiomyopathy 1KK. Last evaluated: 2021-08-26. Review status: criteria provided, single submitter. Criteria: Invitae Variant Classification Sherloc (09022015). Collection method: clinical testing. Allele origin: germline.
Comment: This sequence change replaces asparagine with threonine at codon 110 of the MYPN protein (p.Asn110Thr). The asparagine residue is weakly conserved and there is a small physicochemical difference between asparagine and threonine. This variant is not present in population databases (ExAC no frequency). This variant has not been reported in the literature in individuals affected with MYPN-related conditions. Algorithms developed to predict the effect of missense changes on protein structure and function (SIFT, PolyPhen-2, Align-GVGD) all suggest that this variant is likely to be tolerated. In summary, the available evidence is currently insufficient to determine the role of this variant in disease. Therefore, it has been classified as a Variant of Uncertain Significance.